The following is an entry in ClinVar:

NM_018993.4(RIN2):c.2587C>T (p.Arg863Ter)

Gene: RIN2 (Ras and Rab interactor 2; plus strand). Cytogenetic location: 20p11.23.
Variant type: single nucleotide variant.
Coding change: c.2587C>T on transcript NM_018993.4 (MANE Select); coding-DNA position 2587, C replaced by T.
Protein change: p.Arg863Ter; replaces arginine 863 with a stop codon.
Molecular consequence: nonsense.
Genome position (GRCh38, 1-based): chr20:20,000,835, C>T. VCF-style: chr20-20000835-C-T. GRCh37 (hg19) VCF-style: chr20-19981479-C-T.
Other names: c.2734C>T, p.Arg912Ter (NM_001242581.2); c.1969C>T, p.Arg657Ter (NM_001378238.1); short protein forms R657*, R863*, R912*.
Identifiers: ClinVar variation 1426247 (VCV001426247.6), dbSNP rs2146440346, ClinGen allele CA408367879.

ClinVar aggregate classification (germline): Uncertain significance (1 of 4 stars; one submission).

Submission:

Labcorp Genetics (formerly Invitae), Labcorp
Classification: Uncertain significance. Last evaluated: 2021-11-15. Review status: criteria provided, single submitter. Criteria: Invitae Variant Classification Sherloc (09022015). Collection method: clinical testing. Allele origin: germline.
Comment: This sequence change creates a premature translational stop signal (p.Arg863*) in the RIN2 gene. While this is not anticipated to result in nonsense mediated decay, it is expected to disrupt the last 33 amino acid(s) of the RIN2 protein. In summary, the available evidence is currently insufficient to determine the role of this variant in disease. Therefore, it has been classified as a Variant of Uncertain Significance. Experimental studies and prediction algorithms are not available or were not evaluated, and the functional significance of this variant is currently unknown. This variant has not been reported in the literature in individuals affected with RIN2-related conditions. This variant is not present in population databases (gnomAD no frequency).